The following is an entry in ClinVar:

NM_001111.5(ADAR):c.3316-3T>A

Gene: ADAR (adenosine deaminase RNA specific; minus strand). Cytogenetic location: 1q21.3.
Variant type: single nucleotide variant.
Coding change: c.3316-3T>A on transcript NM_001111.5 (MANE Select); 3 bases into the intron before coding-DNA position 3316, T replaced by A.
Molecular consequence: intron variant.
Genome position (GRCh38, 1-based): chr1:154,585,347, A>T on the plus strand (T>A on the coding strand, the complement: ADAR is on the minus strand). VCF-style: chr1-154585347-A-T. GRCh37 (hg19) VCF-style: chr1-154557823-A-T.
Other names: c.2431-3T>A (NM_001365046.1, NM_001025107.3, NM_001365048.1 and 2 more transcripts); c.3343-3T>A (NM_001365045.1); c.2353-3T>A (NM_001365049.1); c.3181-3T>A (NM_015841.4); c.3238-3T>A (NM_015840.4).
Identifiers: ClinVar variation 3751902 (VCV003751902.2).
Genomic context (GRCh38, chr1:154,585,347, plus strand): 5'-TTGTCTCCTTAGTCTTCCCGGATTGCCTTTTGGAATCATATATGCTGACTCTGCCAACCT[A>T]GGAATCCCAGAAGCAACGGGAGAAAGATGGAAACCTTTCAGGAATAAGATTCTGAAGCAG-3'

ClinVar aggregate classification (germline): Uncertain significance (1 of 4 stars; one submission).

Conditions:
Symmetrical dyschromatosis of extremities (DSH). Also called: DYSCHROMATOSIS SYMMETRICA HEREDITARIA 1; RETICULATE ACROPIGMENTATION OF DOHI; SYMMETRIC DYSCHROMATOSIS OF THE EXTREMITIES; Dyschromatosis symmetrica hereditaria. Identifiers: Orphanet 41, MedGen C0406775, MONDO:0007483, OMIM 127400.
Aicardi-Goutieres syndrome 6 (AGS6). Identifiers: Orphanet 51, MedGen C3539013, MONDO:0014007, OMIM 615010.

gnomAD v4.1: 1 of 1,613,966 alleles (0.000062%); highest among the groups gnomAD compares: Admixed American, 0.0017%; no homozygotes.

Submission:

Labcorp Genetics (formerly Invitae), Labcorp
Classification: Uncertain significance for Aicardi-Goutieres syndrome 6; Symmetrical dyschromatosis of extremities. Last evaluated: 2024-03-19. Review status: criteria provided, single submitter. Criteria: Invitae Variant Classification Sherloc (09022015). Collection method: clinical testing. Allele origin: germline.
Comment: This sequence change falls in intron 13 of the ADAR gene. It does not directly change the encoded amino acid sequence of the ADAR protein. It affects a nucleotide within the consensus splice site. This variant is not present in population databases (gnomAD no frequency). This variant has not been reported in the literature in individuals affected with ADAR-related conditions. Variants that disrupt the consensus splice site are a relatively common cause of aberrant splicing (PMID: 17576681, 9536098). Algorithms developed to predict the effect of sequence changes on RNA splicing suggest that this variant is not likely to affect RNA splicing. In summary, the available evidence is currently insufficient to determine the role of this variant in disease. Therefore, it has been classified as a Variant of Uncertain Significance.

Literature cited by the submitters: PubMed 17576681; PubMed 9536098.